The following is an entry in ClinVar:

NM_006796.3(AFG3L2):c.355G>A (p.Gly119Ser)

Gene: AFG3L2 (AFG3 like matrix AAA peptidase subunit 2; minus strand). Cytogenetic location: 18p11.21.
Variant type: single nucleotide variant.
Coding change: c.355G>A on transcript NM_006796.3 (MANE Select); coding-DNA position 355, G replaced by A.
Protein change: p.Gly119Ser; replaces glycine 119 with serine.
Molecular consequence: missense variant.
Genome position (GRCh38, 1-based): chr18:12,367,320, C>T on the plus strand (G>A on the coding strand, the complement: AFG3L2 is on the minus strand). VCF-style: chr18-12367320-C-T. GRCh37 (hg19) VCF-style: chr18-12367319-C-T.
Other names: short protein forms G119S.
Identifiers: ClinVar variation 1675697 (VCV001675697.33), dbSNP rs2143217969, ClinGen allele CA401954897.

ClinVar aggregate classification (germline): Uncertain significance (1 of 4 stars; one submission).

Allele frequency attached by ClinVar (database versions not stated): gnomAD exomes below 0.00001.
gnomAD v4.1: 3 of 1,614,204 alleles (0.00019%); highest among the groups gnomAD compares: East Asian, 0.0045%; no homozygotes.

Submission:

CeGaT Center for Human Genetics Tuebingen
Classification: Uncertain significance. Last evaluated: 2022-03-01. Review status: criteria provided, single submitter. Criteria: CeGaT Center For Human Genetics Tuebingen Variant Classification Criteria Version 2. Collection method: clinical testing. Allele origin: germline. Affected: yes. Observed: 1 variant allele.
Comment: AFG3L2: PM2